The following is an entry in ClinVar:

ClinVar aggregate classification (germline): Likely pathogenic. Review status: reviewed by expert panel (3 of 4 stars). 15 submissions from 15 submitters: Likely pathogenic (1). 14 of the submissions do not count toward it. Last evaluated 2026-07-15.

Conditions:
BRCA2-related cancer predisposition. Identifiers: MedGen CN377758, MONDO:0700269.
Hereditary cancer-predisposing syndrome. Also called: Hereditary Cancer Syndrome; Tumor predisposition; Neoplastic Syndromes, Hereditary; Hereditary neoplastic syndrome. Identifiers: Orphanet 140162, MedGen C0027672, MeSH D009386, MONDO:0015356.
Hereditary breast ovarian cancer syndrome. Also called: Breast and ovarian cancer; Hereditary breast and ovarian cancer syndrome; Hereditary breast and ovarian cancer; Hereditary breast and/or ovarian cancer syndrome; BRCA1- and BRCA2-Associated Hereditary Breast and Ovarian Cancer; Hereditary breast and ovarian cancer syndrome (HBOC). Identifiers: Orphanet 145, MedGen C0677776, MeSH D061325, MONDO:0003582. Disease mechanism: loss of function.
Breast-ovarian cancer, familial, susceptibility to, 2 (BROVCA2). Also called: BRCA2 Hereditary Breast and Ovarian Cancer. Identifiers: Orphanet 145, MedGen C2675520, MONDO:0012933, OMIM 612555. Disease mechanism: loss of function.
Familial cancer of breast. Also called: BREAST CANCER, FAMILIAL; hereditary breast carcinoma; Hereditary breast cancer. Identifiers: Orphanet 227535, MedGen C0346153, MONDO:0016419, OMIM 114480. Disease mechanism: loss of function.

gnomAD v4.1: 1 of 1,613,910 alleles (0.000062%); no homozygotes.

Submissions 1 to 4 of 15:

ClinGen ENIGMA BRCA1 and BRCA2 Variant Curation Expert Panel, ClinGen
Classification: Likely pathogenic for BRCA2-related cancer predisposition. Last evaluated: 2026-07-15. Review status: reviewed by expert panel. Criteria: CSpec BRCA1/2ACMG Rules Specifications V1.2. Collection method: curation. Allele origin: germline. Inheritance: Autosomal dominant inheritance.
Comment: The c.8378G>A variant in BRCA2 is a missense variant predicted to cause substitution of Glycine by Glutamic Acid at amino acid 2793 (p.(Gly2793Glu)). This variant is absent from gnomAD v2.1 (exomes only, non-cancer subset, read depth ≥25) and gnomAD v3.1 (non-cancer subset, read depth ≥25) (PM2_Supporting met). mRNA experimental analysis indicates production of a sufficient amount of wildtype transcript (PMID: 22632462), but is not applied as strong evidence against pathogenicity since BS3 is not met (BP7_Strong (RNA) not met). Missense variant shown to alter splicing, results from calibrated studies with cDNA based design also considered for code application since splicing impact not complete. Reported to exhibit protein function similar to pathogenic control variants (PMIDs: 38417439, 39779857, 39779848) (PS3 met). This BRCA2 missense variant is within a key functional domain and the computational predictor BayesDel (noAF) gives a score of 0.58, above the recommended threshold of 0.30 for prediction of impact on BRCA2 function via protein change. A SpliceAI score of 0.05 predicts no impact on splicing (score threshold <0.10) (PP3 met). Multifactorial likelihood ratio analysis using clinically calibrated data produced a combined LR for this variant of 1.27 (based on Cosegregation LR=1.45; Co-occurrence LR=0.05; Family History LR=17.51), which is above the ENIGMA BRCA1/2 VCEP threshold for BP5 (>0.48) and below PP4 (<2.08) (BP5 and PP4 not met; PMID: 31853058, Internal lab contributors). In summary, this variant meets the criteria to be classified as a Likely pathogenic variant for BRCA2-related cancer predisposition based on the ACMG/AMP criteria applied as specified by the ENIGMA BRCA1/2 VCEP (PM2_Supporting, PP3, PS3).

Women's Health and Genetics/Laboratory Corporation of America, LabCorp
Classification: Pathogenic for Hereditary breast ovarian cancer syndrome. Last evaluated: 2025-10-17. Review status: criteria provided, single submitter. Criteria: LabCorp Variant Classification Summary - May 2015. Collection method: clinical testing. Allele origin: germline. Not counted in ClinVar's aggregate classification.
Comment: Variant summary: BRCA2 c.8378G>A (p.Gly2793Glu) results in a non-conservative amino acid change located in the BRCA2 OB1 domain (IPR015187) of the encoded protein sequence. Algorithms developed to predict the effect of missense changes on protein structure and function all suggest that this variant is likely to be disruptive. The variant was absent in 251422 control chromosomes (gnomAD). c.8378G>A has been observed in an individual(s) affected with Hereditary Breast And Ovarian Cancer Syndrome (e.g., Butz_2021). Other variants affecting the same codon has been classified as pathogenic by our lab (c.8377G>A/p.Gly2793Arg, c.8378G>T/p.Gly2793Val), supporting the critical relevance of codon 2793 to BRCA2 protein function. The variant of interest has been functionally assessed for effect on splicing, finding that it influenced exon 19 splicing (~15% of transcripts), with the predominant product being the wild type BRCA2 protein (~85%) (Acedo_2012). Additionally, the variant was shown to significantly affect homology-directed repair activity (e.g., Guidugli_2013, Richardson_2021). The following publications have been ascertained in the context of this evaluation (PMID: 22632462, 33672545, 32719484, 23108138, 24323938, 19043619, 33609447). ClinVar contains an entry for this variant (Variation ID: 38157). Based on the evidence outlined above, the variant was classified as pathogenic.

Labcorp Genetics (formerly Invitae), Labcorp
Classification: Pathogenic for Hereditary breast ovarian cancer syndrome. Last evaluated: 2025-10-06. Review status: criteria provided, single submitter. Criteria: Invitae Variant Classification Sherloc (09022015). Collection method: clinical testing. Allele origin: germline. Not counted in ClinVar's aggregate classification.
Comment: This sequence change replaces glycine, which is neutral and non-polar, with glutamic acid, which is acidic and polar, at codon 2793 of the BRCA2 protein (p.Gly2793Glu). This variant is not present in population databases (gnomAD no frequency). This missense change has been observed in individual(s) with clinical features of BRCA2-related conditions (PMID: 10923033). ClinVar contains an entry for this variant (Variation ID: 38157). Invitae Evidence Modeling incorporating data from in vitro experimental studies (PMID: 33609447) indicates that this missense variant is expected to disrupt BRCA2 function with a positive predictive value of 95%. Experimental studies have shown that this missense change affects BRCA2 function (PMID: 23108138, 29394989, 29884841). This variant disrupts the p.Gly2793 amino acid residue in BRCA2. Other variant(s) that disrupt this residue have been determined to be pathogenic (PMID: 12442275, 15889636, 16030099, 19043619, 23108138, 23233716, 25085752, 25777348). This suggests that this residue is clinically significant, and that variants that disrupt this residue are likely to be disease-causing. For these reasons, this variant has been classified as Pathogenic.

Color Diagnostics, LLC DBA Color Health
Classification: Likely pathogenic for Hereditary cancer-predisposing syndrome. Last evaluated: 2025-05-31. Review status: criteria provided, single submitter. Criteria: ACMG Guidelines, 2015. Collection method: clinical testing. Allele origin: germline. Not counted in ClinVar's aggregate classification.
Comment: This missense variant replaces glycine with glutamic acid at codon 2793 of the BRCA2 protein. Computational prediction suggests that this variant may have deleterious impact on protein structure and function. Functional studies have reported that this variant impacted BRCA2 function in homology-directed DNA repair assays, in a haploid cell proliferation assay and in sensitivity assays to cisplatin and PARP inhibitor (PMID: 23108138, 29394989, 33609447, 39779848, 39779857). There are conflicting reports on the splicing impact for this variant. A minigene splicing assay has reported that this variant causes the in-frame skipping of exon 19 (PMID: 22632462). But another study using Brca2-deficient mouse embryonic stem cells reported that the expression of the human BRCA2 transcript with this variant did not affect splicing (PMID: 39779848), and an external lab that analyzed patient-derived RNA found no evidence for splicing impact (ClinVar accession SCV004231821.1). This variant has been reported or detected in at least five individuals affected with breast and/or ovarian cancer (PMID: 33672545ClinVar accession SCV001429660.1Color internal data). A multifactorial analysis has reported a likelihood ratio for pathogenicity based on personal and family history of 2.48 from log(LR)=0.3944 for one carrier (PMID: 31853058). Another variant at this amino acid (Gly2793Arg) has been classified as pathogenic (ClinVar variation ID 52569). This variant has not been identified in the general population by the Genome Aggregation Database (gnomAD). Based on the available evidence, this variant is classified as Likely Pathogenic.

NM_000059.4(BRCA2):c.8378G>A (p.Gly2793Glu)

Gene: BRCA2 (BRCA2 DNA repair associated; plus strand). Cytogenetic location: 13q13.1.
Variant type: single nucleotide variant.
Coding change: c.8378G>A on transcript NM_000059.4 (MANE Select); coding-DNA position 8378, G replaced by A.
Protein change: p.Gly2793Glu; replaces glycine 2793 with glutamic acid.
Molecular consequence: missense variant.
Genome position (GRCh38, 1-based): chr13:32,370,448, G>A. VCF-style: chr13-32370448-G-A. GRCh37 (hg19) VCF-style: chr13-32944585-G-A.
Other names: NM_000059.4(BRCA2):c.8378G>A; p.Gly2793Glu; 8606G>A; short protein forms G2793E.
Identifiers: ClinVar variation 38157 (VCV000038157.40), dbSNP rs80359083, ClinGen allele CA025614.
Genomic context (GRCh38, chr13:32,370,448, plus strand): 5'-ATTAATTTGTCCAGATTTCTGCTAACAGTACTCGGCCTGCTCGCTGGTATACCAAACTTG[G>A]ATTCTTTCCTGACCCTAGACCTTTTCCTCTGCCCTTATCATCGCTTTTCAGTGATGGAGG-3'
Protein context (NP_000050.3, residues 2783-2803): TRPARWYTKL[Gly2793Glu]FFPDPRPFPL